The following is an entry in ClinVar:

NM_006129.5(BMP1):c.210G>T (p.Gln70His)

Gene: BMP1 (bone morphogenetic protein 1; plus strand). Cytogenetic location: 8p21.3.
Variant type: single nucleotide variant.
Coding change: c.210G>T on transcript NM_006129.5 (MANE Select); coding-DNA position 210, G replaced by T.
Protein change: p.Gln70His; replaces glutamine 70 with histidine.
Molecular consequence: missense variant. On other transcripts: non-coding transcript variant (2).
Genome position (GRCh38, 1-based): chr8:22,173,663, G>T. VCF-style: chr8-22173663-G-T. GRCh37 (hg19) VCF-style: chr8-22031176-G-T.
Other names: c.210G>T, p.Gln70His (NM_001199.4); short protein forms Q70H.
Identifiers: ClinVar variation 1313447 (VCV001313447.2), dbSNP rs748760901, ClinGen allele CA4664191.

ClinVar aggregate classification (germline): Uncertain significance (1 of 4 stars; one submission).

Allele frequency attached by ClinVar (database versions not stated): gnomAD exomes below 0.00001; ExAC 0.00001.
gnomAD v4.1: 1 of 1,613,836 alleles (0.000062%); highest among the groups gnomAD compares: Non-Finnish European, 0.000085%; no homozygotes.

Submission:

GeneDx
Classification: Uncertain significance. Last evaluated: 2020-10-14. Review status: criteria provided, single submitter. Criteria: GeneDx Variant Classification Process June 2021. Collection method: clinical testing. Allele origin: germline. Affected: yes.
Comment: Not observed at a significant frequency in large population cohorts (Lek et al., 2016); In silico analysis supports that this missense variant does not alter protein structure/function; Has not been previously published as pathogenic or benign to our knowledge